The following is an entry in ClinVar:

NM_004260.4(RECQL4):c.3415G>C (p.Val1139Leu)

Gene: RECQL4 (RecQ like helicase 4; minus strand). Cytogenetic location: 8q24.3.
Variant type: single nucleotide variant.
Coding change: c.3415G>C on transcript NM_004260.4 (MANE Select); coding-DNA position 3415, G replaced by C.
Protein change: p.Val1139Leu; replaces valine 1139 with leucine.
Molecular consequence: missense variant. On other transcripts: non-coding transcript variant (3).
Genome position (GRCh38, 1-based): chr8:144,511,768, C>G on the plus strand (G>C on the coding strand, the complement: RECQL4 is on the minus strand). VCF-style: chr8-144511768-C-G. GRCh37 (hg19) VCF-style: chr8-145737151-C-G.
Other names: c.3121G>C, p.Val1041Leu (NM_001413017.1); c.3217G>C, p.Val1073Leu (NM_001413018.1); c.3490G>C, p.Val1164Leu (NM_001413019.1); c.3319G>C, p.Val1107Leu (NM_001413020.1); c.2344G>C, p.Val782Leu (NM_001413021.1, NM_001413022.1, NM_001413024.1 and 4 more transcripts); c.2419G>C, p.Val807Leu (NM_001413023.1); c.3286G>C, p.Val1096Leu (NM_001413025.1); c.2278G>C, p.Val760Leu (NM_001413027.1, NM_001413030.1, NM_001413032.1); and 9 more; short protein forms V1164L, V760L, V807L, V1096L, V1139L, V650L, V716L, V785L.
Identifiers: ClinVar variation 4152367 (VCV004152367.1).

ClinVar aggregate classification (germline): Uncertain significance (1 of 4 stars; one submission).

Conditions:
Inborn genetic diseases. Identifiers: MedGen C0950123, MeSH D030342.

Submission:

Ambry Genetics
Classification: Uncertain significance for Inborn genetic diseases. Last evaluated: 2025-07-03. Review status: criteria provided, single submitter. Criteria: Ambry Variant Classification Scheme 2023. Collection method: clinical testing. Allele origin: germline.
Comment: The p.V1139L variant (also known as c.3415G>C), located in coding exon 20 of the RECQL4 gene, results from a G to C substitution at nucleotide position 3415. The valine at codon 1139 is replaced by leucine, an amino acid with highly similar properties. This amino acid position is conserved. In addition, this alteration is predicted to be tolerated by in silico analysis. Based on the available evidence, the clinical significance of this variant remains unclear.